The following is an entry in ClinVar:

ClinVar aggregate classification (germline): Pathogenic (1 of 4 stars; one submission).

Submission:

GeneDx
Classification: Pathogenic. Last evaluated: 2021-08-29. Review status: criteria provided, single submitter. Criteria: GeneDx Variant Classification Process June 2021. Collection method: clinical testing. Allele origin: germline. Affected: yes.
Comment: Nonsense variant predicted to result in protein truncation or nonsense mediated decay in a gene for which loss-of-function is a known mechanism of disease; Not observed at significant frequency in large population cohorts (Lek et al., 2016); Has not been previously published as pathogenic or benign to our knowledge

NM_014991.6(WDFY3):c.8094G>A (p.Trp2698Ter)

Gene: WDFY3 (WD repeat and FYVE domain containing 3; minus strand). Cytogenetic location: 4q21.23.
Variant type: single nucleotide variant.
Coding change: c.8094G>A on transcript NM_014991.6 (MANE Select); coding-DNA position 8094, G replaced by A.
Protein change: p.Trp2698Ter; replaces tryptophan 2698 with a stop codon.
Molecular consequence: nonsense.
Genome position (GRCh38, 1-based): chr4:84,709,296, C>T on the plus strand (G>A on the coding strand, the complement: WDFY3 is on the minus strand). VCF-style: chr4-84709296-C-T. GRCh37 (hg19) VCF-style: chr4-85630449-C-T.
Other names: short protein forms W2698*.
Identifiers: ClinVar variation 1253820 (VCV001253820.2), dbSNP rs2148988855, ClinGen allele CA357540467.